The following is an entry in ClinVar:

ClinVar aggregate classification (germline): Benign. Review status: criteria provided, multiple submitters, no conflicts (2 of 4 stars). 2 submissions from 2 submitters: Benign (2). Last evaluated 2018-01-13.

Conditions:
Telangiectasia, hereditary hemorrhagic, type 2 (HHT2). Also called: ACVRL1-Related Hereditary Hemorrhagic Telangiectasia; Telangiectasia, hereditary hemorrhagic, type II. Identifiers: Orphanet 774, MedGen C1838163, MONDO:0010880, OMIM 600376. Disease mechanism: loss of function.

Allele frequency attached by ClinVar (database versions not stated): gnomAD exomes 0.11667; gnomAD 0.13660 and 0.14057; TOPMed 0.13739; 1000 Genomes Project 30x 0.17302; 1000 Genomes Project 0.17672.
gnomAD v4.1: 21,461 of 152,522 alleles (14%); highest among the groups gnomAD compares: East Asian, 39%; 1,752 homozygotes.

Submissions (2):

Illumina Laboratory Services, Illumina
Classification: Benign for Telangiectasia, hereditary hemorrhagic, type 2. Last evaluated: 2018-01-13. Review status: criteria provided, single submitter. Criteria: ICSL Variant Classification Criteria 13 December 2019. Collection method: clinical testing. Allele origin: germline.
Comment: This variant was observed in the ICSL laboratory as part of a predisposition screen in an ostensibly healthy population. It had not been previously curated by ICSL or reported in the Human Gene Mutation Database (HGMD: prior to June 1st, 2018), and was therefore a candidate for classification through an automated scoring system. Utilizing variant allele frequency, disease prevalence and penetrance estimates, and inheritance mode, an automated score was calculated to assess if this variant is too frequent to cause the disease. Based on the score and internal cut-off values, a variant classified as benign is not then subjected to further curation. The score for this variant resulted in a classification of benign for this disease.

Breakthrough Genomics
Classification: Benign. Review status: criteria provided, single submitter. Criteria: ACMG Guidelines, 2015. Collection method: not provided. Allele origin: germline. Inheritance: Autosomal dominant inheritance. Affected: yes.

NM_000020.3(ACVRL1):c.*1926T>C

Gene: ACVRL1 (activin A receptor like type 1; plus strand). Cytogenetic location: 12q13.13.
Variant type: single nucleotide variant.
Coding change: c.*1926T>C on transcript NM_000020.3 (MANE Select); 1926 bases downstream of the stop codon, T replaced by C.
Molecular consequence: 3 prime UTR variant.
Genome position (GRCh38, 1-based): chr12:51,922,819, T>C. VCF-style: chr12-51922819-T-C. GRCh37 (hg19) VCF-style: chr12-52316603-T-C.
Other names: c.*1926T>C (NM_001077401.2).
Identifiers: ClinVar variation 309477 (VCV000309477.6), dbSNP rs2293094, ClinGen allele CA10642717.